The following is an entry in ClinVar:

NM_033004.4(NLRP1):c.525C>T (p.Asn175=)

Gene: NLRP1 (NLR family pyrin domain containing 1; minus strand). Cytogenetic location: 17p13.2.
Variant type: single nucleotide variant.
Coding change: c.525C>T on transcript NM_033004.4 (MANE Select); coding-DNA position 525, C replaced by T.
Protein change: p.Asn175=; no amino-acid change (asparagine 175 retained).
Molecular consequence: synonymous variant.
Genome position (GRCh38, 1-based): chr17:5,581,986, G>A on the plus strand (C>T on the coding strand, the complement: NLRP1 is on the minus strand). VCF-style: chr17-5581986-G-A. GRCh37 (hg19) VCF-style: chr17-5485306-G-A.
Other names: c.525C>T, p.Asn175= (NM_001033053.3, NM_014922.5, NM_033006.4 and 1 more transcripts).
Identifiers: ClinVar variation 708199 (VCV000708199.14), dbSNP rs144081440, ClinGen allele CA8327559.

ClinVar aggregate classification (germline): Benign/Likely benign. Review status: criteria provided, multiple submitters, no conflicts (2 of 4 stars). 3 submissions from 3 submitters: Benign (1); Likely benign (1). 1 of the submissions does not count toward it. Last evaluated 2026-01-22.

Conditions:
NLRP1-related disorder. Also called: NLRP1-related condition.

Allele frequency attached by ClinVar (database versions not stated): ESP Exome Variant Server 0.00023; gnomAD 0.00034 and 0.00046; gnomAD exomes 0.00039 and 0.00097; TOPMed 0.00079; ExAC 0.00087; 1000 Genomes Project 30x 0.00265; 1000 Genomes Project 0.00300.

Submissions (3):

Labcorp Genetics (formerly Invitae), Labcorp
Classification: Benign. Last evaluated: 2026-01-22. Review status: criteria provided, single submitter. Criteria: Invitae Variant Classification Sherloc (09022015). Collection method: clinical testing. Allele origin: germline.

Blueprint Genetics
Classification: Likely benign. Last evaluated: 2024-10-28. Review status: criteria provided, single submitter. Criteria: ACMG Guidelines, 2015. Collection method: clinical testing. Allele origin: germline.

PreventionGenetics, part of Exact Sciences
Classification: Benign for NLRP1-related condition. Last evaluated: 2019-03-18. Review status: no assertion criteria provided. Collection method: clinical testing. Allele origin: germline. Not counted in ClinVar's aggregate classification.
Comment: This variant is classified as benign based on ACMG/AMP sequence variant interpretation guidelines (Richards et al. 2015 PMID: 25741868, with internal and published modifications).